The following is an entry in ClinVar:

ClinVar aggregate classification (germline): Uncertain significance (1 of 4 stars; one submission).

Conditions:
Dyskeratosis congenita. Identifiers: Orphanet 1775, MedGen C0265965, MONDO:0015780.

Submission:

Labcorp Genetics (formerly Invitae), Labcorp
Classification: Uncertain significance for Dyskeratosis congenita. Last evaluated: 2024-03-29. Review status: criteria provided, single submitter. Criteria: Invitae Variant Classification Sherloc (09022015). Collection method: clinical testing. Allele origin: germline.
Comment: This sequence change replaces alanine, which is neutral and non-polar, with valine, which is neutral and non-polar, at codon 172 of the DKC1 protein (p.Ala172Val). This variant is not present in population databases (gnomAD no frequency). This variant has not been reported in the literature in individuals affected with DKC1-related conditions. An algorithm developed to predict the effect of missense changes on protein structure and function (PolyPhen-2) suggests that this variant is likely to be tolerated. In summary, the available evidence is currently insufficient to determine the role of this variant in disease. Therefore, it has been classified as a Variant of Uncertain Significance.

NM_001363.5(DKC1):c.515C>T (p.Ala172Val)

Gene: DKC1 (dyskerin pseudouridine synthase 1; plus strand). Cytogenetic location: Xq28.
Variant type: single nucleotide variant.
Coding change: c.515C>T on transcript NM_001363.5 (MANE Select); coding-DNA position 515, C replaced by T.
Protein change: p.Ala172Val; replaces alanine 172 with valine.
Molecular consequence: missense variant. On other transcripts: non-coding transcript variant (3).
Genome position (GRCh38, 1-based): chrX:154,767,257, C>T. VCF-style: chrX-154767257-C-T. GRCh37 (hg19) VCF-style: chrX-153995532-C-T.
Other names: c.515C>T, p.Ala172Val (NM_001142463.3, NM_001288747.2); short protein forms A172V.
Identifiers: ClinVar variation 3715337 (VCV003715337.2).